The following is an entry in ClinVar:

NM_000059.4(BRCA2):c.3068A>C (p.Asn1023Thr)

Gene: BRCA2 (BRCA2 DNA repair associated; plus strand). Cytogenetic location: 13q13.1.
Variant type: single nucleotide variant.
Coding change: c.3068A>C on transcript NM_000059.4 (MANE Select); coding-DNA position 3068, A replaced by C.
Protein change: p.Asn1023Thr; replaces asparagine 1023 with threonine.
Molecular consequence: missense variant.
Genome position (GRCh38, 1-based): chr13:32,337,423, A>C. VCF-style: chr13-32337423-A-C. GRCh37 (hg19) VCF-style: chr13-32911560-A-C.
Other names: short protein forms N1023T.
Identifiers: ClinVar variation 628303 (VCV000628303.16), dbSNP rs776196396, ClinGen allele CA6940659.
Genomic context (GRCh38, chr13:32,337,423, plus strand): 5'-ACAGTTTTGGAGGTAGCTTCAGAACAGCTTCAAATAAGGAAATCAAGCTCTCTGAACATA[A>C]CATTAAGAAGAGCAAAATGTTCTTCAAAGATATTGAAGAACAATATCCTACTAGTTTAGC-3'
Protein context (NP_000050.3, residues 1013-1033): SNKEIKLSEH[Asn1023Thr]IKKSKMFFKD

ClinVar aggregate classification (germline): Conflicting classifications of pathogenicity. Review status: criteria provided, conflicting classifications (1 of 4 stars). 6 submissions from 6 submitters: Uncertain significance (4); Likely benign (1). 1 of the submissions does not count toward it. Last evaluated 2024-05-30.

Conditions:
Hereditary cancer-predisposing syndrome. Also called: Neoplastic Syndromes, Hereditary; Tumor predisposition; Hereditary neoplastic syndrome; Hereditary Cancer Syndrome. Identifiers: Orphanet 140162, MedGen C0027672, MeSH D009386, MONDO:0015356.
BRCA2-related cancer predisposition. Identifiers: MedGen CN377758, MONDO:0700269.
Hereditary breast ovarian cancer syndrome. Also called: Hereditary breast and ovarian cancer syndrome; Hereditary breast and ovarian cancer; Hereditary breast and ovarian cancer syndrome (HBOC); Breast and ovarian cancer; Hereditary breast and/or ovarian cancer syndrome; BRCA1- and BRCA2-Associated Hereditary Breast and Ovarian Cancer. Identifiers: Orphanet 145, MedGen C0677776, MeSH D061325, MONDO:0003582. Disease mechanism: loss of function.
Familial cancer of breast. Also called: BREAST CANCER, FAMILIAL; Hereditary breast cancer; hereditary breast carcinoma. Identifiers: Orphanet 227535, MedGen C0346153, MONDO:0016419, OMIM 114480. Disease mechanism: loss of function.

Allele frequency attached by ClinVar (database versions not stated): gnomAD exomes below 0.00001 and 0.00001; TOPMed below 0.00001; ExAC 0.00001; gnomAD 0.00001 and 0.00003.
gnomAD v4.1: 4 of 1,613,158 alleles (0.00025%); highest among the groups gnomAD compares: South Asian, 0.0033%; no homozygotes.

Submissions (6):

All of Us Research Program, National Institutes of Health
Classification: Uncertain significance for BRCA2-related cancer predisposition. Last evaluated: 2024-05-30. Review status: criteria provided, single submitter. Criteria: ACMG Guidelines, 2015. Collection method: clinical testing. Allele origin: germline. Inheritance: Autosomal dominant inheritance. Observed: 1 variant allele, 1 heterozygote.
Comment: This missense variant replaces asparagine with threonine at codon 1023 of the BRCA2 protein. Computational prediction suggests that this variant may not impact protein structure and function. To our knowledge, functional studies have not been reported for this variant. This variant has been reported in individuals affected with breast or ovarian cancer (PMID: 29470806, 35918668). This variant has been identified in 3/281616 chromosomes in the general population by the Genome Aggregation Database (gnomAD). The available evidence is insufficient to determine the role of this variant in disease conclusively. Therefore, this variant is classified as a Variant of Uncertain Significance.

This study involves interpretation of variants in research participants for the purpose of population health screening. Participant phenotype was not available at the time of variant classification. Additional details can be found in publication PMID: 35346344, PMCID: PMC8962531

Ambry Genetics
Classification: Uncertain significance for Hereditary cancer-predisposing syndrome. Last evaluated: 2024-05-27. Review status: criteria provided, single submitter. Criteria: Ambry Variant Classification Scheme 2023. Collection method: clinical testing. Allele origin: germline.
Comment: The p.N1023T variant (also known as c.3068A>C), located in coding exon 10 of the BRCA2 gene, results from an A to C substitution at nucleotide position 3068. The asparagine at codon 1023 is replaced by threonine, an amino acid with similar properties. This alteration has been identified in multiple individuals diagnosed with breast and/or ovarian cancer (Singh J et al. Breast Cancer Res Treat, 2018 Jul;170:189-196; Zhang Y et al. BMC Cancer, 2022 Aug;22:842). This amino acid position is not well conserved in available vertebrate species. In addition, this alteration is predicted to be tolerated by in silico analysis. Based on the available evidence, the clinical significance of this variant remains unclear.

Color Diagnostics, LLC DBA Color Health
Classification: Uncertain significance for Hereditary cancer-predisposing syndrome. Last evaluated: 2024-05-15. Review status: criteria provided, single submitter. Criteria: ACMG Guidelines, 2015. Collection method: clinical testing. Allele origin: germline.
Comment: This missense variant replaces asparagine with threonine at codon 1023 of the BRCA2 protein. Computational prediction suggests that this variant may not impact protein structure and function. To our knowledge, functional studies have not been reported for this variant. This variant has been reported in individuals affected with breast or ovarian cancer (PMID: 29470806, 35918668). This variant has been identified in 3/281616 chromosomes in the general population by the Genome Aggregation Database (gnomAD). The available evidence is insufficient to determine the role of this variant in disease conclusively. Therefore, this variant is classified as a Variant of Uncertain Significance.

Labcorp Genetics (formerly Invitae), Labcorp
Classification: Uncertain significance for Hereditary breast ovarian cancer syndrome. Last evaluated: 2024-03-23. Review status: criteria provided, single submitter. Criteria: Invitae Variant Classification Sherloc (09022015). Collection method: clinical testing. Allele origin: germline.
Comment: This sequence change replaces asparagine, which is neutral and polar, with threonine, which is neutral and polar, at codon 1023 of the BRCA2 protein (p.Asn1023Thr). This variant is present in population databases (rs776196396, gnomAD 0.005%). This missense change has been observed in individual(s) with breast and/or ovarian cancer (PMID: 29470806, 35918668). ClinVar contains an entry for this variant (Variation ID: 628303). Advanced modeling of protein sequence and biophysical properties (such as structural, functional, and spatial information, amino acid conservation, physicochemical variation, residue mobility, and thermodynamic stability) performed at Invitae indicates that this missense variant is not expected to disrupt BRCA2 protein function with a negative predictive value of 95%. In summary, the available evidence is currently insufficient to determine the role of this variant in disease. Therefore, it has been classified as a Variant of Uncertain Significance.

University of Washington Department of Laboratory Medicine, University of Washington
Classification: Likely benign for Hereditary cancer-predisposing syndrome. Last evaluated: 2023-03-23. Review status: criteria provided, single submitter. Criteria: Dines et al. (Genet Med. 2020). Collection method: curation. Allele origin: germline.
Comment: Missense variant in a coldspot region where missense variants are very unlikely to be pathogenic (PMID:31911673).

BRCA2 exon 11 coldspot. Reclassification based on statistical prior probability.

Center for Precision Medicine, Meizhou People's Hospital
Classification: Uncertain significance for Familial cancer of breast. Review status: no assertion criteria provided. Collection method: curation. Allele origin: germline. Affected: yes. Not counted in ClinVar's aggregate classification.

Literature cited by the submitters: PubMed 29470806 (cited by 4 submitters); PubMed 35918668 (cited by 4 submitters).